The following is an entry in ClinVar:

ClinVar aggregate classification (germline): Uncertain significance (1 of 4 stars; one submission).

Submission:

Women's Health and Genetics/Laboratory Corporation of America, LabCorp
Classification: Uncertain significance. Last evaluated: 2025-06-19. Review status: criteria provided, single submitter. Criteria: LabCorp Variant Classification Summary - May 2015. Collection method: clinical testing. Allele origin: germline.
Comment: Variant summary: STAG1 c.2269C>T (p.Pro757Ser) results in a non-conservative amino acid change in the encoded protein sequence. Algorithms developed to predict the effect of missense changes on protein structure and function are either unavailable or do not agree on the potential impact of this missense change. The variant was absent in 246726 control chromosomes. The available data on variant occurrences in the general population are insufficient to allow any conclusion about variant significance. To our knowledge, no occurrence of c.2269C>T in individuals affected with Mental Retardation, Autosomal Dominant 47 and no experimental evidence demonstrating its impact on protein function have been reported. No submitters have cited clinical-significance assessments for this variant to ClinVar. Based on the evidence outlined above, the variant was classified as uncertain significance.

NM_005862.3(STAG1):c.2269C>T (p.Pro757Ser)

Gene: STAG1 (STAG1 cohesin complex component; minus strand). Cytogenetic location: 3q22.3.
Variant type: single nucleotide variant.
Coding change: c.2269C>T on transcript NM_005862.3 (MANE Select); coding-DNA position 2269, C replaced by T.
Protein change: p.Pro757Ser; replaces proline 757 with serine.
Molecular consequence: missense variant.
Genome position (GRCh38, 1-based): chr3:136,398,757, G>A on the plus strand (C>T on the coding strand, the complement: STAG1 is on the minus strand). VCF-style: chr3-136398757-G-A. GRCh37 (hg19) VCF-style: chr3-136117599-G-A.
Other names: short protein forms P757S.
Identifiers: ClinVar variation 3907635 (VCV003907635.1).
Genomic context (GRCh38, chr3:136,398,757, plus strand): 5'-CAAGGTTATTATTTCAGTAATAACCCTTCTGCCTACAGAAACTCTTACTTACTTTGGAAG[G>A]AGAGCCATCAGTAATTTTCACCAACTGCCAAAGAATCGAATAATGGGAACACTGCAGTGC-3'
Protein context (NP_005853.2, residues 747-767): WQLVKITDGS[Pro757Ser]SKEDLLVLRK